The following is an entry in ClinVar:

ClinVar aggregate classification (germline): Uncertain significance (1 of 4 stars; one submission).

Conditions:
Congenital myasthenic syndrome 12 (CMS12). Also called: MYASTHENIC SYNDROME, CONGENITAL, WITH TUBULAR AGGREGATES 1; Myasthenia, congenital, 12, with tubular aggregates. Identifiers: Orphanet 353327, Orphanet 590, MedGen C3552335, MONDO:0012518, OMIM 610542.

Allele frequency attached by ClinVar (database versions not stated): gnomAD exomes below 0.00001.
gnomAD v4.1: 1 of 1,591,864 alleles (0.000063%); highest among the groups gnomAD compares: East Asian, 0.0022%; no homozygotes.

Submission:

Labcorp Genetics (formerly Invitae), Labcorp
Classification: Uncertain significance for Congenital myasthenic syndrome 12. Last evaluated: 2022-08-16. Review status: criteria provided, single submitter. Criteria: Invitae Variant Classification Sherloc (09022015). Collection method: clinical testing. Allele origin: germline.
Comment: In summary, the available evidence is currently insufficient to determine the role of this variant in disease. Therefore, it has been classified as a Variant of Uncertain Significance. Algorithms developed to predict the effect of sequence changes on RNA splicing suggest that this variant may create or strengthen a splice site. Algorithms developed to predict the effect of missense changes on protein structure and function (SIFT, PolyPhen-2, Align-GVGD) all suggest that this variant is likely to be tolerated. This sequence change replaces isoleucine, which is neutral and non-polar, with valine, which is neutral and non-polar, at codon 233 of the GFPT1 protein (p.Ile233Val). ClinVar contains an entry for this variant (Variation ID: 1384923). This variant has not been reported in the literature in individuals affected with GFPT1-related conditions. This variant is not present in population databases (gnomAD no frequency).

NM_001244710.2(GFPT1):c.697A>G (p.Ile233Val)

Gene: GFPT1 (glutamine--fructose-6-phosphate transaminase 1; minus strand). Cytogenetic location: 2p13.3.
Variant type: single nucleotide variant.
Coding change: c.697A>G on transcript NM_001244710.2 (MANE Select); coding-DNA position 697, A replaced by G.
Protein change: p.Ile233Val; replaces isoleucine 233 with valine.
Molecular consequence: missense variant. On other transcripts: intron variant (1).
Genome position (GRCh38, 1-based): chr2:69,354,301, T>C on the plus strand (A>G on the coding strand, the complement: GFPT1 is on the minus strand). VCF-style: chr2-69354301-T-C. GRCh37 (hg19) VCF-style: chr2-69581433-T-C.
Other names: c.685+188A>G (NM_002056.4); short protein forms I233V.
Identifiers: ClinVar variation 1384923 (VCV001384923.8), dbSNP rs2104647589, ClinGen allele CA347129690.